The following is an entry in ClinVar:

NM_003482.4(KMT2D):c.15536G>A (p.Arg5179His)

Gene: KMT2D (lysine methyltransferase 2D; minus strand). Cytogenetic location: 12q13.12.
Variant type: single nucleotide variant.
Coding change: c.15536G>A on transcript NM_003482.4 (MANE Select); coding-DNA position 15536, G replaced by A.
Protein change: p.Arg5179His; replaces arginine 5179 with histidine.
Molecular consequence: missense variant.
Genome position (GRCh38, 1-based): chr12:49,026,430, C>T on the plus strand (G>A on the coding strand, the complement: KMT2D is on the minus strand). VCF-style: chr12-49026430-C-T. GRCh37 (hg19) VCF-style: chr12-49420213-C-T.
Other names: short protein forms R5179H.
Identifiers: ClinVar variation 7536 (VCV000007536.20), dbSNP rs267607237, ClinGen allele CA254197.

ClinVar aggregate classification (germline): Pathogenic/Likely pathogenic. Review status: criteria provided, multiple submitters, no conflicts (2 of 4 stars). 10 submissions from 10 submitters: Pathogenic (7); Likely pathogenic (1). 2 of the submissions do not count toward it. Last evaluated 2025-05-19.

Conditions:
Choanal atresia-athelia-hypothyroidism-delayed puberty-short stature syndrome (BCAHH). Also called: BRANCHIAL ARCH ABNORMALITIES, CHOANAL ATRESIA, ATHELIA, HEARING LOSS, AND HYPOTHYROIDISM SYNDROME. Identifiers: Orphanet 589856, MedGen C5680310, MONDO:0035651, OMIM 620186.
Kabuki syndrome 1 (KABUK1). Also called: KMT2D-Related Kabuki Syndrome. Identifiers: Orphanet 2322, MedGen CN030661, MONDO:0007843, OMIM 147920.
Kabuki syndrome. Also called: NIIKAWA-KUROKI SYNDROME; Kabuki make-up syndrome. Identifiers: Orphanet 2322, MedGen C0796004, MONDO:0016512.

Allele frequency attached by ClinVar (database versions not stated): gnomAD exomes below 0.00001.
gnomAD v4.1: 2 of 1,614,004 alleles (0.00012%); highest among the groups gnomAD compares: Non-Finnish European, 0.000085%; no homozygotes.

Submissions (11):

Victorian Clinical Genetics Services, Murdoch Childrens Research Institute
Classification: Pathogenic for Kabuki syndrome 1. Last evaluated: 2025-05-19. Review status: criteria provided, single submitter. Criteria: ACMG Guidelines, 2015. Collection method: clinical testing. Allele origin: germline. Affected: yes.
Comment: This variant is classified as Pathogenic. Evidence in support of pathogenic classification: Variant is present in gnomAD (v4) <0.001 for a dominant condition (2 heterozygotes, 0 homozygotes); This variant has strong previous evidence of pathogenicity in unrelated individuals. Clinical laboratories in ClinVar have reported this variant as pathogenic four times, and likely pathogenic once. This variant has been seen in multiple unrelated individuals diagnosed with Kabuki syndrome (PMIDs: 20711175, 37043208); Other variants comparable to the one identified in this case have strong previous evidence for pathogenicity. Three alternate amino acid changes have been observed in unrelated individuals diagnosed with Kabuki syndrome: (p.Arg5179Cys), (p.Arg5179Leu), and (p.Arg5179Pro). Each variant has been reported in ClinVar as pathogenic or likely pathogenic. Additional information: Variant is predicted to result in a missense amino acid change from arginine to histidine; This variant is heterozygous; This gene is associated with autosomal dominant disease; Variant is located in the annotated FYRN family domain (DECIPHER); Missense variant with conflicting in silico predictions and high conservation; Loss of function is a known mechanism of disease in this gene and is associated with Kabuki syndrome 1 (MIM#147920) and branchial arch abnormalities, choanal atresia, athelia, hearing loss, and hypothyroidism syndrome (MIM#620186); Variants in this gene are known to have variable expressivity (PMIDs: 21882399, 31949313); Inheritance information for this variant is not currently available in this individual.

Variantyx, Inc.
Classification: Pathogenic for Kabuki syndrome 1. Last evaluated: 2025-04-22. Review status: criteria provided, single submitter. Criteria: Variantyx Assertion Criteria 2022. Collection method: clinical testing. Allele origin: de novo. Inheritance: Autosomal dominant inheritance. Affected: yes.
Comment: This is a nonsynonymous variant in the KMT2D gene (OMIM: 602113). Pathogenic variants in this gene have been associated with autosomal dominant Kabuki syndrome 1. This variant has been reported in at least 2 unrelated affected individuals (PMID: 25755104, 20711175) (PS4_Moderate) and an aternate amino acid change at this position (p.Arg5179Cys) have been previously reported in similarly affected individuals, which suggests that this residue is biologically important (PMID: 27302555) (PM5). Multiple computational algorithms predict a deleterious effect for this variant (REVEL score: 0.694) (PP3). This variant has a 0.0003% maximum allele frequency in non-founder control populations (PM2). Based on the current evidence, this variant is classified as pathogenic for autosomal dominant Kabuki syndrome 1.

GeneDx
Classification: Pathogenic. Last evaluated: 2024-08-13. Review status: criteria provided, single submitter. Criteria: GeneDx Variant Classification Process June 2021. Collection method: clinical testing. Allele origin: germline. Affected: yes.
Comment: Not observed at significant frequency in large population cohorts (gnomAD); In silico analysis supports that this missense variant has a deleterious effect on protein structure/function; This variant is associated with the following publications: (PMID: 25755104, 20711175, 27302555, 28475860, 21671394, 28404210, 23913813, 30459467, 32368696, 28991257, 36891680, 37043208, 31941532, 37010288, 35904121)

Labcorp Genetics (formerly Invitae), Labcorp
Classification: Pathogenic for Kabuki syndrome. Last evaluated: 2024-03-22. Review status: criteria provided, single submitter. Criteria: Invitae Variant Classification Sherloc (09022015). Collection method: clinical testing. Allele origin: germline.
Comment: This sequence change replaces arginine, which is basic and polar, with histidine, which is basic and polar, at codon 5179 of the KMT2D protein (p.Arg5179His). This variant is not present in population databases (gnomAD no frequency). This missense change has been observed in individual(s) with Kabuki syndrome (PMID: 20711175, 23913813, 25755104, 27302555). In at least one individual the variant was observed to be de novo. ClinVar contains an entry for this variant (Variation ID: 7536). Advanced modeling of protein sequence and biophysical properties (such as structural, functional, and spatial information, amino acid conservation, physicochemical variation, residue mobility, and thermodynamic stability) has been performed at Invitae for this missense variant, however the output from this modeling did not meet the statistical confidence thresholds required to predict the impact of this variant on KMT2D protein function. For these reasons, this variant has been classified as Pathogenic.

Institute of Medical Genetics and Applied Genomics, University Hospital Tübingen
Classification: Pathogenic for Kabuki syndrome 1. Last evaluated: 2023-11-30. Review status: criteria provided, single submitter. Criteria: ACMG Guidelines, 2015. Collection method: clinical testing. Allele origin: germline. Inheritance: Autosomal dominant inheritance. Affected: yes.

Center for Human Genetics, Inc
Classification: Likely pathogenic for Kabuki syndrome 1. Last evaluated: 2016-11-01. Review status: criteria provided, single submitter. Criteria: ACMG Guidelines, 2015. Collection method: clinical testing. Allele origin: germline. Affected: yes.

Eurofins Ntd Llc (ga)
Classification: Pathogenic. Last evaluated: 2014-08-18. Review status: criteria provided, single submitter. Criteria: EGL Classification Definitions 2015. Collection method: clinical testing. Allele origin: germline. Observed: 3 variant alleles, 3 heterozygotes.

Juno Genomics, Hangzhou Juno Genomics, Inc
Classification: Pathogenic for Choanal atresia-athelia-hypothyroidism-delayed puberty-short stature syndrome; Kabuki syndrome 1. Review status: criteria provided, single submitter. Criteria: ACMG Guidelines, 2015. Collection method: clinical testing. Allele origin: germline. Affected: yes.
Comment: Absent from controls (or at extremely low frequency if recessive) in Genome Aggregation Database.;Multiple lines of computational evidence support a deleterious effect on the gene or gene product.;Missense variant in a gene that has a low rate of benign missense variation.;The prevalence of the variant in affected individuals is significantly increased compared to the prevalence in controls.;De novo (both maternity and paternity confirmed) in a patient with the disease and no family history.;Novel missense change at an amino acid residue where a different missense change determined to be pathogenic has been seen before.

Autoinflammatory diseases unit, CHU de Montpellier
Classification: Pathogenic for Kabuki syndrome 1. Last evaluated: 2015-05-27. Review status: no assertion criteria provided. Collection method: clinical testing. Allele origin: de novo. Affected: yes. Not counted in ClinVar's aggregate classification.

OMIM
Classification: Pathogenic for KABUKI SYNDROME 1. Last evaluated: 2010-09-01. Review status: no assertion criteria provided. Collection method: literature only. Allele origin: germline. Not counted in ClinVar's aggregate classification.

Dr. Peter K. Rogan Lab, Western University
No classification provided (evidence only). Condition: Malignant tumor of urinary bladder. Review status: no classification provided. Collection method: in vitro. Allele origin: not applicable. Functional consequence: skipped exon. Not counted in ClinVar's aggregate classification.

Literature cited by the submitters: PubMed 21882399 (cited by Victorian Clinical Genetics Services, Murdoch Childrens Research Institute); PubMed 37043208 (cited by Victorian Clinical Genetics Services, Murdoch Childrens Research Institute); PubMed 20711175 (cited by 5 submitters); PubMed 31949313 (cited by Victorian Clinical Genetics Services, Murdoch Childrens Research Institute); PubMed 25755104 (cited by Variantyx, Inc. and Labcorp Genetics (formerly Invitae), Labcorp); PubMed 27302555 (cited by Variantyx, Inc. and Labcorp Genetics (formerly Invitae), Labcorp); PubMed 23913813 (cited by Labcorp Genetics (formerly Invitae), Labcorp).